The following is an entry in ClinVar:

NM_000153.4(GALC):c.1034-1G>C

Gene: GALC (galactosylceramidase; minus strand). Cytogenetic location: 14q31.3.
Variant type: single nucleotide variant.
Coding change: c.1034-1G>C on transcript NM_000153.4 (MANE Select); the canonical splice acceptor site of the intron before coding-DNA position 1034, G replaced by C.
Molecular consequence: splice acceptor variant.
Genome position (GRCh38, 1-based): chr14:87,963,512, C>G on the plus strand (G>C on the coding strand, the complement: GALC is on the minus strand). VCF-style: chr14-87963512-C-G. GRCh37 (hg19) VCF-style: chr14-88429856-C-G.
Other names: c.401-1G>C (NM_001424076.1, NM_001424077.1); c.956-1G>C (NM_001201402.2); c.965-1G>C (NM_001201401.2); c.686-1G>C (NM_001424075.1, NM_001424074.1); c.866-1G>C (NM_001424072.1, NM_001424073.1, NM_001424071.1); c.1034-1G>C (NM_000153.3).
Identifiers: ClinVar variation 2831456 (VCV002831456.5), dbSNP rs955287913, ClinGen allele CA264701269.

ClinVar aggregate classification (germline): Pathogenic/Likely pathogenic. Review status: criteria provided, multiple submitters, no conflicts (2 of 4 stars). 4 submissions from 4 submitters: Pathogenic (1); Likely pathogenic (3). Last evaluated 2025-10-31.

Conditions:
Galactosylceramide beta-galactosidase deficiency. Also called: GALACTOCEREBROSIDASE DEFICIENCY; GALC DEFICIENCY; GLOBOID CELL LEUKOENCEPHALOPATHY; Leukodystrophy, Globoid Cell; Krabbe Disease. Identifiers: Orphanet 487, MedGen C0023521, MONDO:0009499, OMIM 245200.

Allele frequency attached by ClinVar (database versions not stated): TOPMed below 0.00001.

Submissions (4):

Genetics Department, Hospital Ramon y Cajal-IRYCIS
Classification: Pathogenic for Galactosylceramide beta-galactosidase deficiency. Last evaluated: 2025-10-31. Review status: criteria provided, single submitter. Criteria: ACMG Guidelines, 2015. Collection method: research, in vitro. Allele origin: paternal, not applicable. Affected: yes. Observed: 2 variant alleles. Functional consequence: skipped exon, splice donor variant NMD triggering, frameshift variant NMD triggering.
Comment: ACMG criteria PVS1, PS3, and PM2. For PVS1, the variant removes the invariant splice signal at its position. For PS3, our splicing assays showed skipping of exon 10 and also reduced enzyme activity when assayed on DBS.

Natera, Inc.
Classification: Likely pathogenic for Galactosylceramide beta-galactosidase deficiency. Last evaluated: 2024-08-23. Review status: criteria provided, single submitter. Criteria: Natera Variant Classification Schema (03/2026). Collection method: clinical testing. Allele origin: germline.
Comment: The c.1034-1G>C variant in GALC is a canonical splice acceptor site variant predicted to affect pre-mRNA splicing, which may result in an abnormal transcript and altered protein product. This variant is expected to result in nonsense mediated decay, truncation, or a dysfunctional protein product. This variant is rare in the general population with a frequency below the threshold expected for the associated phenotype(s). Given the available evidence, this variant is classified as Likely Pathogenic.

Fulgent Genetics
Classification: Likely pathogenic for Galactosylceramide beta-galactosidase deficiency. Last evaluated: 2024-03-14. Review status: criteria provided, single submitter. Criteria: ACMG Guidelines, 2015. Collection method: clinical testing. Allele origin: germline.

Labcorp Genetics (formerly Invitae), Labcorp
Classification: Likely pathogenic for Galactosylceramide beta-galactosidase deficiency. Last evaluated: 2024-02-16. Review status: criteria provided, single submitter. Criteria: Invitae Variant Classification Sherloc (09022015). Collection method: clinical testing. Allele origin: germline.
Comment: This sequence change affects an acceptor splice site in intron 9 of the GALC gene. It is expected to disrupt RNA splicing. Variants that disrupt the donor or acceptor splice site typically lead to a loss of protein function (PMID: 16199547), and loss-of-function variants in GALC are known to be pathogenic (PMID: 7437911, 9272171, 16607461). This variant is present in population databases (no rsID available, gnomAD 0.006%). This variant has not been reported in the literature in individuals affected with GALC-related conditions. Algorithms developed to predict the effect of sequence changes on RNA splicing suggest that this variant may disrupt the consensus splice site. In summary, the currently available evidence indicates that the variant is pathogenic, but additional data are needed to prove that conclusively. Therefore, this variant has been classified as Likely Pathogenic.

Literature cited by the submitters: PubMed 16199547 (cited by Labcorp Genetics (formerly Invitae), Labcorp); PubMed 7437911 (cited by Labcorp Genetics (formerly Invitae), Labcorp); PubMed 9272171 (cited by Labcorp Genetics (formerly Invitae), Labcorp); PubMed 16607461 (cited by Labcorp Genetics (formerly Invitae), Labcorp).